The following is an entry in ClinVar:

ClinVar aggregate classification (germline): Benign/Likely benign. Review status: criteria provided, multiple submitters, no conflicts (2 of 4 stars). 14 submissions from 14 submitters: Benign (5); Likely benign (7). 2 of the submissions do not count toward it. Last evaluated 2026-09-01.

Conditions:
TSC2-related disorder. Also called: TSC2-related condition; TSC2-Related Disorders.
Hereditary cancer-predisposing syndrome. Also called: Neoplastic Syndromes, Hereditary; Tumor predisposition; Hereditary Cancer Syndrome; Hereditary neoplastic syndrome. Identifiers: Orphanet 140162, MedGen C0027672, MeSH D009386, MONDO:0015356.
Tuberous sclerosis syndrome (TSC). Also called: Tuberous Sclerosis Complex; Tuberous sclerosis. Identifiers: Orphanet 805, MedGen C0041341, MONDO:0001734.
Tuberous sclerosis 2 (TSC2). Identifiers: Orphanet 805, MedGen C1860707, MONDO:0013199, OMIM 613254.

Allele frequency attached by ClinVar (database versions not stated): ExAC 0.00025; gnomAD exomes 0.00027; TOPMed 0.00029; gnomAD 0.00031 and 0.00033; ESP Exome Variant Server 0.00069.
gnomAD v4.1: 929 of 1,613,234 alleles (0.058%); highest among the groups gnomAD compares: Non-Finnish European, 0.072%; 1 homozygote.

Submissions (17):

CeGaT Center for Human Genetics Tuebingen
Classification: Likely benign. Last evaluated: 2026-09-01. Review status: criteria provided, single submitter. Criteria: CeGaT Center For Human Genetics Tuebingen Variant Classification Criteria Version 2. Collection method: clinical testing. Allele origin: germline. Affected: yes. Observed: 6 variant alleles.
Comment: TSC2: BS1

Labcorp Genetics (formerly Invitae), Labcorp
Classification: Benign for Tuberous sclerosis 2. Last evaluated: 2026-02-03. Review status: criteria provided, single submitter. Criteria: Invitae Variant Classification Sherloc (09022015). Collection method: clinical testing. Allele origin: germline.

Myriad Genetics, Inc.
Classification: Likely benign for Tuberous sclerosis 2. Last evaluated: 2025-05-22. Review status: criteria provided, single submitter. Criteria: Myriad Autosomal Dominant, Autosomal Recessive and X-Linked Classification Criteria (2023). Collection method: clinical testing. Allele origin: unknown.
Comment: This variant is considered likely benign. This variant is intronic and is not expected to impact mRNA splicing. This variant has been observed at a population frequency that is significantly greater than expected given the associated disease prevalence and penetrance.

Blueprint Genetics
Classification: Likely benign. Last evaluated: 2024-11-06. Review status: criteria provided, single submitter. Criteria: ACMG Guidelines, 2015. Collection method: clinical testing. Allele origin: germline.

Mayo Clinic Laboratories, Mayo Clinic
Classification: Benign. Last evaluated: 2024-10-14. Review status: criteria provided, single submitter. Criteria: ACMG Guidelines, 2015. Collection method: clinical testing. Allele origin: germline. Observed: 1 variant allele.
Comment: BS1, BS2

Quest Diagnostics Nichols Institute San Juan Capistrano
Classification: Likely benign. Last evaluated: 2024-04-04. Review status: criteria provided, single submitter. Criteria: Quest Diagnostics criteria. Collection method: clinical testing. Allele origin: unknown.
Comment: The frequency of this variant in the general population is higher than would generally be expected for pathogenic variants in this gene. Computational tools yielded predictions that this variant may interfere with normal RNA splicing. This variant has been seen where an alternate explanation for disease was also identified.

Women's Health and Genetics/Laboratory Corporation of America, LabCorp
Classification: Benign. Last evaluated: 2023-12-26. Review status: criteria provided, single submitter. Criteria: LabCorp Variant Classification Summary - May 2015. Collection method: clinical testing. Allele origin: germline.
Comment: Variant summary: TSC2 c.2743-3C>A alters a conserved nucleotide located close to a canonical splice site and therefore could affect mRNA splicing, leading to a significantly altered protein sequence. Several computational tools predict a significant impact on normal splicing: Three predict the variant weakens a canonical 3' acceptor site. One predict the variant abolishes a canonical 3' acceptor site. However, these predictions have yet to be confirmed by functional studies. The variant allele was found at a frequency of 0.00027 in 250692 control chromosomes, predominantly at a frequency of 0.00056 within the Non-Finnish European subpopulation in the gnomAD database, including 1 homozygotes. The observed variant frequency within Non-Finnish European control individuals in the gnomAD database is approximately 8 fold of the estimated maximal expected allele frequency for a pathogenic variant in TSC2 causing Tuberous Sclerosis Complex phenotype (6.9e-05), strongly suggesting that the variant is a benign polymorphism found primarily in populations of Non-Finnish European origin. To our knowledge, no occurrence of c.2743-3C>A in individuals affected with Tuberous Sclerosis Complex and no experimental evidence demonstrating its impact on protein function have been reported. Six submitters have cited clinical-significance assessments for this variant to ClinVar after 2014. All submitters classified the variant as benign/likely benign. Based on the evidence outlined above, the variant was classified as benign.

Color Diagnostics, LLC DBA Color Health
Classification: Likely benign for Tuberous sclerosis syndrome. Last evaluated: 2022-09-20. Review status: criteria provided, single submitter. Criteria: ACMG Guidelines, 2015. Collection method: clinical testing. Allele origin: germline.

Genome-Nilou Lab
Classification: Benign for Tuberous sclerosis 2. Last evaluated: 2021-11-07. Review status: criteria provided, single submitter. Criteria: ACMG Guidelines, 2015. Collection method: clinical testing. Allele origin: germline. Affected: no.

Sema4
Classification: Likely benign for Hereditary cancer-predisposing syndrome. Last evaluated: 2021-05-31. Review status: criteria provided, single submitter. Criteria: Sema4 Curation Guidelines. Collection method: curation. Allele origin: germline.

GeneDx
Classification: Benign. Last evaluated: 2020-09-09. Review status: criteria provided, single submitter. Criteria: GeneDx Variant Classification Process June 2021. Collection method: clinical testing. Allele origin: germline. Affected: yes.

Ambry Genetics
Classification: Likely benign for Hereditary cancer-predisposing syndrome. Last evaluated: 2018-09-20. Review status: criteria provided, single submitter. Criteria: Ambry Variant Classification Scheme 2023. Collection method: clinical testing. Allele origin: germline.

PreventionGenetics, part of Exact Sciences
Classification: Likely benign for TSC2-related condition. Last evaluated: 2023-09-08. Review status: no assertion criteria provided. Collection method: clinical testing. Allele origin: germline. Not counted in ClinVar's aggregate classification.
Comment: This variant is classified as likely benign based on ACMG/AMP sequence variant interpretation guidelines (Richards et al. 2015 PMID: 25741868, with internal and published modifications).

Dr. Peter K. Rogan Lab, Western University
No classification provided (evidence only). Condition: Colon adenocarcinoma. Review status: no classification provided. Collection method: in vitro. Allele origin: not applicable. Functional consequence: skipped exon, retained intron. Not counted in ClinVar's aggregate classification.

Dr. Peter K. Rogan Lab, Western University
No classification provided (evidence only). Condition: Cervical cancer. Review status: no classification provided. Collection method: in vitro. Allele origin: not applicable. Functional consequence: skipped exon, retained intron. Not counted in ClinVar's aggregate classification.

Dr. Peter K. Rogan Lab, Western University
No classification provided (evidence only). Condition: Hepatocellular carcinoma. Review status: no classification provided. Collection method: in vitro. Allele origin: not applicable. Functional consequence: skipped exon, retained intron. Not counted in ClinVar's aggregate classification.

Tuberous sclerosis database (TSC2)
No classification provided. Condition: TSC. Review status: no classification provided. Criteria: Tuberous Sclerosis Database Assertion Criteria 2015. Collection method: curation. Allele origin: germline. Affected: yes. Not counted in ClinVar's aggregate classification.

NM_000548.5(TSC2):c.2743-3C>A

Gene: TSC2 (TSC complex subunit 2; plus strand). Cytogenetic location: 16p13.3.
Variant type: single nucleotide variant.
Coding change: c.2743-3C>A on transcript NM_000548.5 (MANE Select); 3 bases into the intron before coding-DNA position 2743, C replaced by A.
Molecular consequence: intron variant.
Genome position (GRCh38, 1-based): chr16:2,076,488, C>A. VCF-style: chr16-2076488-C-A. GRCh37 (hg19) VCF-style: chr16-2126489-C-A.
Other names: p.?; c.2743-3C>A (NM_001114382.3, NM_021055.3, NM_001370405.1 and 4 more transcripts); c.2632-3C>A (NM_001318827.2); c.2143-3C>A (NM_001318831.2); c.2596-3C>A (NM_001318829.2); c.2776-3C>A (NM_001318832.2).
Identifiers: ClinVar variation 49229 (VCV000049229.51), dbSNP rs45517264, ClinGen allele CA018050.